The following is an entry in ClinVar:

NM_001429.4(EP300):c.6225C>T (p.His2075=)

Gene: EP300 (EP300 lysine acetyltransferase; plus strand). Cytogenetic location: 22q13.2.
Variant type: single nucleotide variant.
Coding change: c.6225C>T on transcript NM_001429.4 (MANE Select); coding-DNA position 6225, C replaced by T.
Protein change: p.His2075=; no amino-acid change (histidine 2075 retained).
Molecular consequence: synonymous variant.
Genome position (GRCh38, 1-based): chr22:41,177,936, C>T. VCF-style: chr22-41177936-C-T. GRCh37 (hg19) VCF-style: chr22-41573940-C-T.
Other names: c.6147C>T, p.His2049= (NM_001362843.2); c.6225C>T (NM_001429.3).
Identifiers: ClinVar variation 1560064 (VCV001560064.10), dbSNP rs543501228, ClinGen allele CA10253803.

ClinVar aggregate classification (germline): Likely benign. Review status: criteria provided, multiple submitters, no conflicts (2 of 4 stars). 2 submissions from 2 submitters: Likely benign (2). Last evaluated 2025-05-17.

Conditions:
Rubinstein-Taybi syndrome due to EP300 haploinsufficiency. Also called: RUBINSTEIN-TAYBI SYNDROME 2; EP300-Related Rubinstein-Taybi Syndrome. Identifiers: Orphanet 353284, Orphanet 783, MedGen C3150941, MONDO:0013364, OMIM 613684.
EP300-related disorder. Also called: EP300-related disorders; EP300-related condition.

Allele frequency attached by ClinVar (database versions not stated): gnomAD 0.00001 and 0.00002; TOPMed 0.00001; ExAC 0.00003; gnomAD exomes 0.00004; 1000 Genomes Project 30x 0.00016; 1000 Genomes Project 0.00020.
gnomAD v4.1: 47 of 1,614,158 alleles (0.0029%); highest among the groups gnomAD compares: South Asian, 0.0055%; no homozygotes.

Submissions (2):

Labcorp Genetics (formerly Invitae), Labcorp
Classification: Likely benign for Rubinstein-Taybi syndrome due to EP300 haploinsufficiency. Last evaluated: 2025-05-17. Review status: criteria provided, single submitter. Criteria: Invitae Variant Classification Sherloc (09022015). Collection method: clinical testing. Allele origin: germline.

PreventionGenetics, part of Exact Sciences
Classification: Likely benign for EP300-related condition. Last evaluated: 2025-01-18. Review status: criteria provided, single submitter. Criteria: ACMG Guidelines, 2015. Collection method: clinical testing. Allele origin: germline.
Comment: This variant is classified as likely benign based on ACMG/AMP sequence variant interpretation guidelines (Richards et al. 2015 PMID: 25741868, with internal and published modifications).